The following is an entry in ClinVar:

NM_001267550.2(TTN):c.30030C>T (p.Cys10010=)

Gene: TTN (titin; minus strand). Cytogenetic location: 2q31.2.
Variant type: single nucleotide variant.
Coding change: c.30030C>T on transcript NM_001267550.2 (MANE Select); coding-DNA position 30030, C replaced by T.
Protein change: p.Cys10010=; no amino-acid change (cysteine 10010 retained).
Molecular consequence: synonymous variant. On other transcripts: intron variant (3).
Genome position (GRCh38, 1-based): chr2:178,704,340, G>A on the plus strand (C>T on the coding strand, the complement: TTN is on the minus strand). VCF-style: chr2-178704340-G-A. GRCh37 (hg19) VCF-style: chr2-179569067-G-A.
Other names: c.29079C>T, p.Cys9693= (NM_001256850.1); c.26298C>T, p.Cys8766= (NM_133378.4); c.13282+33742C>T (NM_003319.4); c.13858+33742C>T (NM_133437.4); c.13657+33742C>T (NM_133432.3).
Identifiers: ClinVar variation 413107 (VCV000413107.11), dbSNP rs372290430, ClinGen allele CA1999250.

ClinVar aggregate classification (germline): Likely benign. Review status: criteria provided, multiple submitters, no conflicts (2 of 4 stars). 3 submissions from 3 submitters: Likely benign (3). Last evaluated 2026-09-21.

Conditions:
TTN-related disorder. Also called: TTN-related disorders; TTN-related condition; TTN-related disease.
Dilated cardiomyopathy 1G (CMD1G). Identifiers: Orphanet 154, MedGen C1858763, MONDO:0011400, OMIM 604145.
Autosomal recessive limb-girdle muscular dystrophy type 2J (LGMDR10). Also called: Limb-girdle muscular dystrophy, type 2J; MUSCULAR DYSTROPHY, LIMB-GIRDLE, AUTOSOMAL RECESSIVE 10. Identifiers: Orphanet 140922, MedGen C1837342, MONDO:0012127, OMIM 608807.

Allele frequency attached by ClinVar (database versions not stated): gnomAD 0.00003 and 0.00002; TOPMed 0.00002; ExAC 0.00002; ESP Exome Variant Server 0.00008; gnomAD exomes 0.00001.
gnomAD v4.1: 54 of 1,614,004 alleles (0.0033%); highest among the groups gnomAD compares: Non-Finnish European, 0.0044%; no homozygotes.

Submissions (3):

Molecular Diagnostic Laboratory for Inherited Cardiovascular Disease, Montreal Heart Institute
Classification: Likely benign. Last evaluated: 2026-09-21. Review status: criteria provided, single submitter. Criteria: ACMG Guidelines, 2015. Collection method: clinical testing. Allele origin: germline. Affected: no.
Comment: BP7

Labcorp Genetics (formerly Invitae), Labcorp
Classification: Likely benign for Dilated cardiomyopathy 1G; Autosomal recessive limb-girdle muscular dystrophy type 2J. Last evaluated: 2025-12-15. Review status: criteria provided, single submitter. Criteria: Invitae Variant Classification Sherloc (09022015). Collection method: clinical testing. Allele origin: germline.

PreventionGenetics, part of Exact Sciences
Classification: Likely benign for TTN-related condition. Last evaluated: 2025-07-02. Review status: criteria provided, single submitter. Criteria: ACMG Guidelines, 2015. Collection method: clinical testing. Allele origin: germline.
Comment: This variant is classified as likely benign based on ACMG/AMP sequence variant interpretation guidelines (Richards et al. 2015 PMID: 25741868, with internal and published modifications).